The following is an entry in ClinVar:

NM_000407.5(GP1BB):c.281A>G (p.Asp94Gly)

Genes: GP1BB (glycoprotein Ib platelet subunit beta; plus strand), SEPT5-GP1BB (SEPT5-GP1BB readthrough; plus strand). Cytogenetic location: 22q11.21.
Variant type: single nucleotide variant.
Coding change: c.281A>G on transcript NM_000407.5 (MANE Select); coding-DNA position 281, A replaced by G.
Protein change: p.Asp94Gly; replaces aspartic acid 94 with glycine.
Molecular consequence: missense variant. On other transcripts: non-coding transcript variant (2).
Genome position (GRCh38, 1-based): chr22:19,724,124, A>G. VCF-style: chr22-19724124-A-G. GRCh37 (hg19) VCF-style: chr22-19711647-A-G.
Other names: short protein forms D94G.
Identifiers: ClinVar variation 1701430 (VCV001701430.32), dbSNP rs2145796172, ClinGen allele CA410677012.

ClinVar aggregate classification (germline): Pathogenic/Likely pathogenic. Review status: criteria provided, multiple submitters, no conflicts (2 of 4 stars). 2 submissions from 2 submitters: Pathogenic (1); Likely pathogenic (1). Last evaluated 2026-02-17.

Conditions:
Bernard Soulier syndrome (BSS). Also called: GLYCOPROTEIN Ib, PLATELET, DEFICIENCY OF; PLATELET GLYCOPROTEIN Ib DEFICIENCY; VON WILLEBRAND FACTOR RECEPTOR DEFICIENCY; Giant platelet syndrome; Hemorrhagiparous thrombocytic dystrophy; Giant platelet disease. Identifiers: Orphanet 274, MedGen C0005129, MeSH D001606, MONDO:0009276, OMIM 231200.

Submissions (2):

Women's Health and Genetics/Laboratory Corporation of America, LabCorp
Classification: Pathogenic for Bernard Soulier syndrome. Last evaluated: 2026-02-17. Review status: criteria provided, single submitter. Criteria: LabCorp Variant Classification Summary - May 2015. Collection method: clinical testing. Allele origin: germline.
Comment: Variant summary: GP1BB c.281A>G (p.Asp94Gly) results in a non-conservative amino acid change in the encoded protein sequence. Algorithms developed to predict the effect of missense changes on protein structure and function all suggest that this variant is likely to be disruptive. The frequency data for this variant in gnomAD is considered unreliable, as metrics indicate poor data quality at this position. c.281A>G has been observed in multiple individuals affected with Bernard Soulier Syndrome. These data indicate that the variant is very likely to be associated with disease. To our knowledge, no experimental evidence demonstrating an impact on protein function has been reported. ClinVar contains an entry for this variant (Variation ID: 1701430). Based on the evidence outlined above, the variant was classified as pathogenic.

CeGaT Center for Human Genetics Tuebingen
Classification: Likely pathogenic. Last evaluated: 2018-08-01. Review status: criteria provided, single submitter. Criteria: CeGaT Center For Human Genetics Tuebingen Variant Classification Criteria Version 2. Collection method: clinical testing. Allele origin: germline. Affected: yes. Observed: 1 variant allele.

Literature cited by the submitters: PubMed 24934643 (cited by Women's Health and Genetics/Laboratory Corporation of America, LabCorp); PubMed 28131619 (cited by Women's Health and Genetics/Laboratory Corporation of America, LabCorp).